The following is an entry in ClinVar:

ClinVar aggregate classification (germline): Likely benign (1 of 4 stars; one submission).

Allele frequency attached by ClinVar (database versions not stated): ExAC 0.00051; TOPMed 0.00057; gnomAD 0.00066; gnomAD exomes 0.00084; ESP Exome Variant Server 0.00175.
gnomAD v4.1: 1,250 of 1,551,576 alleles (0.081%); highest among the groups gnomAD compares: Non-Finnish European, 0.1%; no homozygotes.

Submission:

CeGaT Center for Human Genetics Tuebingen
Classification: Likely benign. Last evaluated: 2023-12-01. Review status: criteria provided, single submitter. Criteria: CeGaT Center For Human Genetics Tuebingen Variant Classification Criteria Version 2. Collection method: clinical testing. Allele origin: germline. Affected: yes. Observed: 1 variant allele.
Comment: DNAH12: BP4, BP7

NM_001366028.2(DNAH12):c.10836C>T (p.Pro3612=)

Gene: DNAH12 (dynein axonemal heavy chain 12; minus strand). Cytogenetic location: 3p14.3.
Variant type: single nucleotide variant.
Coding change: c.10836C>T on transcript NM_001366028.2 (MANE Select); coding-DNA position 10836, C replaced by T.
Protein change: p.Pro3612=; no amino-acid change (proline 3612 retained).
Molecular consequence: synonymous variant.
Genome position (GRCh38, 1-based): chr3:57,310,777, G>A on the plus strand (C>T on the coding strand, the complement: DNAH12 is on the minus strand). VCF-style: chr3-57310777-G-A. GRCh37 (hg19) VCF-style: chr3-57344805-G-A.
Identifiers: ClinVar variation 3024929 (VCV003024929.22), dbSNP rs370688193, ClinGen allele CA2464536.